The following is an entry in ClinVar:

ClinVar aggregate classification (germline): Conflicting classifications of pathogenicity. Review status: criteria provided, conflicting classifications (1 of 4 stars). 2 submissions from 2 submitters: Pathogenic (1); Uncertain significance (1). Last evaluated 2022-01-06.

Conditions:
Charcot-Marie-Tooth disease type 2. Also called: Charcot-Marie-Tooth type 2. Identifiers: Orphanet 64746, MedGen C0270914, MONDO:0018993.
Inborn genetic diseases. Identifiers: MedGen C0950123, MeSH D030342.

Allele frequency attached by ClinVar (database versions not stated): gnomAD exomes below 0.00001.

Submissions (2):

Ambry Genetics
Classification: Pathogenic for Inborn genetic diseases. Last evaluated: 2022-01-06. Review status: criteria provided, single submitter. Criteria: Ambry Variant Classification Scheme 2023. Collection method: clinical testing. Allele origin: germline.
Comment: The c.924delT (p.L309Sfs*68) alteration, located in exon 9 (coding exon 9) of the MED25 gene, consists of a deletion of one nucleotide at position 924, causing a translational frameshift with a predicted alternate stop codon after 68 amino acids. This alteration is expected to result in loss of function by premature protein truncation or nonsense-mediated mRNA decay. This variant was not reported in population-based cohorts in the Genome Aggregation Database (gnomAD). Based on the available evidence, this alteration is classified as pathogenic.

Labcorp Genetics (formerly Invitae), Labcorp
Classification: Uncertain significance for Charcot-Marie-Tooth disease type 2. Last evaluated: 2020-07-26. Review status: criteria provided, single submitter. Criteria: Invitae Variant Classification Sherloc (09022015). Collection method: clinical testing. Allele origin: germline.
Comment: This variant has not been reported in the literature in individuals with MED25-related conditions. This variant is not present in population databases (ExAC no frequency). This sequence change creates a premature translational stop signal (p.Leu309Serfs*68) in the MED25 gene. It is expected to result in an absent or disrupted protein product. The current clinical and genetic evidence is not sufficient to establish whether loss-of-function variants in MED25 cause disease. In summary, the available evidence is currently insufficient to determine the role of this variant in disease. Therefore, it has been classified as a Variant of Uncertain Significance.

NM_030973.4(MED25):c.924del (p.Leu309fs)

Gene: MED25 (mediator complex subunit 25; plus strand). Cytogenetic location: 19q13.33.
Variant type: Deletion.
Coding change: c.924del on transcript NM_030973.4 (MANE Select); coding-DNA position 924, one base deleted (T; older notation c.924delT).
Protein change: p.Leu309fs; shifts the reading frame from leucine 309.
Molecular consequence: frameshift variant.
Genome position (GRCh38, 1-based): chr19:49,830,710, T deleted. VCF-style (leftmost placement, unchanged base first): chr19-49830709-CT-C. GRCh37 (hg19) VCF-style: chr19-50333966-CT-C.
Other names: c.924delT (NM_030973.3); c.924del, p.Leu309fs (NM_001378355.1); short protein forms L309fs.
Identifiers: ClinVar variation 1037771 (VCV001037771.7), dbSNP rs2074049374, ClinGen allele CA2340605304.
Genomic context (GRCh38, chr19:49,830,709, plus strand): 5'-CTCCACACACTTGTTCCCCACTTCTTCCCTTGGTCTCTCCCACAGTCTCGCCCATCACCC[CT>C]CTCCAACAAGCTGCTCCCGGAGTGGGTCCCCCCTTCAGCCAGGCCCCAGCTCCCCAACTA-3'